The following is an entry in ClinVar:

ClinVar aggregate classification (germline): Conflicting classifications of pathogenicity. Review status: criteria provided, conflicting classifications (1 of 4 stars). 2 submissions from 2 submitters: Uncertain significance (1); Likely benign (1). Last evaluated 2026-06-23.

Conditions:
Retinoblastoma (RB1). Also called: RETINOBLASTOMA, SOMATIC. Identifiers: Orphanet 790, MedGen C0035335, MeSH D012175, MONDO:0008380, OMIM 180200, HP:0009919. Disease mechanism: loss of function. Inheritance: Both sporadic and heritable forms are tested..

Submissions (2):

Myriad Genetics, Inc.
Classification: Likely benign for Retinoblastoma. Last evaluated: 2026-06-23. Review status: criteria provided, single submitter. Criteria: Myriad Autosomal Dominant, Autosomal Recessive and X-Linked Classification Criteria (2023). Collection method: clinical testing. Allele origin: unknown.
Comment: This variant is considered likely benign. This variant has been observed at a population frequency that is significantly greater than expected given the associated disease prevalence and penetrance.

Labcorp Genetics (formerly Invitae), Labcorp
Classification: Uncertain significance for Retinoblastoma. Last evaluated: 2025-04-07. Review status: criteria provided, single submitter. Criteria: Invitae Variant Classification Sherloc (09022015). Collection method: clinical testing. Allele origin: germline.
Comment: This variant occurs in a non-coding region of the RB1 gene. It does not change the encoded amino acid sequence of the RB1 protein. The frequency data for this variant in the population databases is considered unreliable, as metrics indicate poor data quality at this position in the gnomAD database. This variant has not been reported in the literature in individuals affected with RB1-related conditions. ClinVar contains an entry for this variant (Variation ID: 3670001). In summary, the available evidence is currently insufficient to determine the role of this variant in disease. Therefore, it has been classified as a Variant of Uncertain Significance.

NM_000321.3(RB1):c.-19C>T

Gene: RB1 (RB transcriptional corepressor 1; plus strand). Cytogenetic location: 13q14.2.
Variant type: single nucleotide variant.
Coding change: c.-19C>T on transcript NM_000321.3 (MANE Select); 19 bases upstream of the start codon, C replaced by T.
Molecular consequence: 5 prime UTR variant.
Genome position (GRCh38, 1-based): chr13:48,303,894, C>T. VCF-style: chr13-48303894-C-T. GRCh37 (hg19) VCF-style: chr13-48878030-C-T.
Other names: c.-19C>T (NM_001407165.1, NM_001407166.1, NM_001407167.1).
Identifiers: ClinVar variation 3670001 (VCV003670001.3).